The following is an entry in ClinVar:

NM_003072.5(SMARCA4):c.4777G>A (p.Val1593Ile)

Gene: SMARCA4 (SWI/SNF related BAF chromatin remodeling complex subunit ATPase 4; plus strand). Cytogenetic location: 19p13.2.
Variant type: single nucleotide variant.
Coding change: c.4777G>A on transcript NM_003072.5 (MANE Select); coding-DNA position 4777, G replaced by A.
Protein change: p.Val1593Ile; replaces valine 1593 with isoleucine.
Molecular consequence: missense variant. On other transcripts: non-coding transcript variant (1).
Genome position (GRCh38, 1-based): chr19:11,060,053, G>A. VCF-style: chr19-11060053-G-A. GRCh37 (hg19) VCF-style: chr19-11170729-G-A.
Other names: c.4777G>A, p.Val1593Ile (NM_001128844.3); c.4687G>A, p.Val1563Ile (NM_001128845.2); c.4684G>A, p.Val1562Ile (NM_001128846.2); c.4678G>A, p.Val1560Ile (NM_001128847.4, NM_001374457.1); c.4675G>A, p.Val1559Ile (NM_001128848.2); c.4873G>A, p.Val1625Ile (NM_001128849.3, NM_001387283.1); short protein forms V1625I, V1560I, V1593I, V1559I, V1562I, V1563I.
Identifiers: ClinVar variation 484939 (VCV000484939.15), dbSNP rs753578157, ClinGen allele CA9204882.
Genomic context (GRCh38, chr19:11,060,053, plus strand): 5'-GGTGCTGCATTCCCAGAGCTCAAGGCTGTCTTTCCCTCCCGGTCCCCTCCAGCTCGGTCC[G>A]TCAAAGTGAAGATCAAGCTTGGCCGGAAGGAGAAGGCACAGGACCGGCTGAAGGGCGGCC-3'
Protein context (NP_003063.2, residues 1583-1603): EEGSESESRS[Val1593Ile]KVKIKLGRKE

ClinVar aggregate classification (germline): Conflicting classifications of pathogenicity. Review status: criteria provided, conflicting classifications (1 of 4 stars). 3 submissions from 3 submitters: Uncertain significance (2); Likely benign (1). Last evaluated 2025-12-15.

Conditions:
Intellectual disability, autosomal dominant 16 (CSS4). Also called: COFFIN-SIRIS SYNDROME 4. Identifiers: Orphanet 1465, MedGen C3553249, MONDO:0013821, OMIM 614609.
Rhabdoid tumor predisposition syndrome 2 (RTPS2). Identifiers: Orphanet 231108, Orphanet 69077, MedGen C2750074, MONDO:0013224, OMIM 613325.
Hereditary cancer-predisposing syndrome. Also called: Neoplastic Syndromes, Hereditary; Tumor predisposition; Hereditary Cancer Syndrome; Hereditary neoplastic syndrome. Identifiers: Orphanet 140162, MedGen C0027672, MeSH D009386, MONDO:0015356.

Allele frequency attached by ClinVar (database versions not stated): ExAC below 0.00001; gnomAD exomes 0.00001.
gnomAD v4.1: 7 of 1,561,966 alleles (0.00045%); highest among the groups gnomAD compares: East Asian, 0.0024%; no homozygotes.

Submissions (3):

Labcorp Genetics (formerly Invitae), Labcorp
Classification: Uncertain significance for Rhabdoid tumor predisposition syndrome 2. Last evaluated: 2025-12-15. Review status: criteria provided, single submitter. Criteria: Invitae Variant Classification Sherloc (09022015). Collection method: clinical testing. Allele origin: germline.
Comment: This sequence change replaces valine, which is neutral and non-polar, with isoleucine, which is neutral and non-polar, at codon 1625 of the SMARCA4 protein (p.Val1625Ile). The frequency data for this variant in the population databases is considered unreliable, as metrics indicate poor data quality at this position in the gnomAD database. This variant has not been reported in the literature in individuals affected with SMARCA4-related conditions. ClinVar contains an entry for this variant (Variation ID: 484939). Invitae Evidence Modeling of protein sequence and biophysical properties (such as structural, functional, and spatial information, amino acid conservation, physicochemical variation, residue mobility, and thermodynamic stability) has been performed for this missense variant. However, the output from this modeling did not meet the statistical confidence thresholds required to predict the impact of this variant on SMARCA4 protein function. In summary, the available evidence is currently insufficient to determine the role of this variant in disease. Therefore, it has been classified as a Variant of Uncertain Significance.

Ambry Genetics
Classification: Likely benign for Hereditary cancer-predisposing syndrome. Last evaluated: 2024-09-25. Review status: criteria provided, single submitter. Criteria: Ambry Variant Classification Scheme 2023. Collection method: clinical testing. Allele origin: germline.

Genome-Nilou Lab
Classification: Uncertain significance for Intellectual disability, autosomal dominant 16. Last evaluated: 2021-07-15. Review status: criteria provided, single submitter. Criteria: ACMG Guidelines, 2015. Collection method: clinical testing. Allele origin: germline. Affected: no.